The following is an entry in ClinVar:

NM_015909.4(NBAS):c.4984_4985insTAG (p.Thr1661_Ala1662insVal)

Gene: NBAS (NBAS subunit of NRZ tethering complex; minus strand). Cytogenetic location: 2p24.3.
Variant type: Insertion.
Coding change: c.4984_4985insTAG on transcript NM_015909.4 (MANE Select); coding-DNA positions 4984 to 4985, TAG inserted.
Protein change: p.Thr1661_Ala1662insVal.
Molecular consequence: inframe insertion. On other transcripts: non-coding transcript variant (1).
Genome position: GRCh38 VCF-style: chr2-15292579-G-GCTA. GRCh37 (hg19) VCF-style: chr2-15432703-G-GCTA.
Identifiers: ClinVar variation 1996880 (VCV001996880.4), dbSNP rs2528202905, ClinGen allele CA2580063609.

ClinVar aggregate classification (germline): Uncertain significance (1 of 4 stars; one submission).

Submission:

Labcorp Genetics (formerly Invitae), Labcorp
Classification: Uncertain significance. Last evaluated: 2022-05-20. Review status: criteria provided, single submitter. Criteria: Invitae Variant Classification Sherloc (09022015). Collection method: clinical testing. Allele origin: germline.
Comment: In summary, the available evidence is currently insufficient to determine the role of this variant in disease. Therefore, it has been classified as a Variant of Uncertain Significance. This variant has not been reported in the literature in individuals affected with NBAS-related conditions. This variant is not present in population databases (gnomAD no frequency). This variant, c.4984_4985insTAG, results in the insertion of 1 amino acid(s) of the NBAS protein (p.Thr1661_Ala1662insVal), but otherwise preserves the integrity of the reading frame.